The following is an entry in ClinVar:

ClinVar aggregate classification (germline): Likely benign. Review status: criteria provided, multiple submitters, no conflicts (2 of 4 stars). 4 submissions from 4 submitters: Likely benign (4). Last evaluated 2026-01-25.

Conditions:
Cardiovascular phenotype. Identifiers: MedGen CN230736.
Hypercholesterolemia, autosomal dominant, type B (FHCL2). Also called: APOB-Related Familial Hypercholesterolemia, Autosomal Dominant; Hyperlipoproteinemia Type IIb; Familial Hypercholesterolemia Type B; APOLIPOPROTEIN B-100, FAMILIAL DEFECTIVE; APOLIPOPROTEIN B-100, FAMILIAL LIGAND-DEFECTIVE; Familial hypercholesterolemia 2. Identifiers: MedGen C1704417, MONDO:0007751, OMIM 144010.
Familial hypobetalipoproteinemia 1. Also called: APOB-Related Familial Hypobetalipoproteinemia; Hypobetalipoproteinemia, normotriglyceridemic; Acanthocytosis with hypobetalipoproteinemia. Identifiers: MedGen C4551990, MONDO:0014252, OMIM 615558.
Familial hypercholesterolemia. Also called: Familial hypercholesterolemias; Familial hypercholesterolaemia. Identifiers: MedGen C0020445, MONDO:0005439.

Allele frequency attached by ClinVar (database versions not stated): TOPMed 0.00002; gnomAD 0.00003; gnomAD exomes 0.00004.
gnomAD v4.1: 59 of 1,614,078 alleles (0.0037%); highest among the groups gnomAD compares: Non-Finnish European, 0.0049%; no homozygotes.

Submissions (4):

Labcorp Genetics (formerly Invitae), Labcorp
Classification: Likely benign for Familial hypobetalipoproteinemia 1; Hypercholesterolemia, autosomal dominant, type B. Last evaluated: 2026-01-25. Review status: criteria provided, single submitter. Criteria: Invitae Variant Classification Sherloc (09022015). Collection method: clinical testing. Allele origin: germline.

GENinCode PLC
Classification: Likely benign for Familial hypercholesterolemia. Last evaluated: 2025-07-24. Review status: criteria provided, single submitter. Criteria: ACMG Guidelines, 2015. Collection method: clinical testing. Allele origin: germline.
Comment: This is a synonymous (silent) variant that is not predicted to impact splicing and occurs at a nucleotide which is not highly conserved. This variant has been classified as Likely Benign (BP4, BP7).

Fulgent Genetics
Classification: Likely benign for Hypercholesterolemia, autosomal dominant, type B; Familial hypobetalipoproteinemia 1. Last evaluated: 2021-08-10. Review status: criteria provided, single submitter. Criteria: ACMG Guidelines, 2015. Collection method: clinical testing. Allele origin: unknown.

Ambry Genetics
Classification: Likely benign for Cardiovascular phenotype. Last evaluated: 2019-05-20. Review status: criteria provided, single submitter. Criteria: Ambry Variant Classification Scheme 2023. Collection method: clinical testing. Allele origin: germline.

NM_000384.3(APOB):c.2830T>C (p.Leu944=)

Gene: APOB (apolipoprotein B; minus strand). Cytogenetic location: 2p24.1.
Variant type: single nucleotide variant.
Coding change: c.2830T>C on transcript NM_000384.3 (MANE Select); coding-DNA position 2830, T replaced by C.
Protein change: p.Leu944=; no amino-acid change (leucine 944 retained).
Molecular consequence: synonymous variant.
Genome position (GRCh38, 1-based): chr2:21,019,892, A>G on the plus strand (T>C on the coding strand, the complement: APOB is on the minus strand). VCF-style: chr2-21019892-A-G. GRCh37 (hg19) VCF-style: chr2-21242764-A-G.
Identifiers: ClinVar variation 630330 (VCV000630330.17), dbSNP rs376866376, ClinGen allele CA057335.